The following is an entry in ClinVar:

ClinVar aggregate classification (germline): Benign. Review status: criteria provided, multiple submitters, no conflicts (2 of 4 stars). 3 submissions from 3 submitters: Benign (3). Last evaluated 2018-04-24.

Conditions:
NAFLD1 (FLD1). Also called: FATTY LIVER DISEASE, SUSCEPTIBILITY TO, 1; Fatty liver disease, nonalcoholic 1. Identifiers: MedGen C2750440, MONDO:0021105, OMIM 613282.

Allele frequency attached by ClinVar (database versions not stated): ESP Exome Variant Server 0.01899; TOPMed 0.01975; 1000 Genomes Project 0.02177; 1000 Genomes Project 30x 0.02374.
gnomAD v4.1: 5,328 of 1,614,128 alleles (0.33%); highest among the groups gnomAD compares: African/African-American, 6.1%; 150 homozygotes.

Submissions (3):

Labcorp Genetics (formerly Invitae), Labcorp
Classification: Benign. Last evaluated: 2018-04-24. Review status: criteria provided, single submitter. Criteria: Invitae Variant Classification Sherloc (09022015). Collection method: clinical testing. Allele origin: germline.

Illumina Laboratory Services, Illumina
Classification: Benign for NAFLD1. Last evaluated: 2018-01-13. Review status: criteria provided, single submitter. Criteria: ICSL Variant Classification Criteria 13 December 2019. Collection method: clinical testing. Allele origin: germline.
Comment: This variant was observed in the ICSL laboratory as part of a predisposition screen in an ostensibly healthy population. It had not been previously curated by ICSL or reported in the Human Gene Mutation Database (HGMD: prior to June 1st, 2018), and was therefore a candidate for classification through an automated scoring system. Utilizing variant allele frequency, disease prevalence and penetrance estimates, and inheritance mode, an automated score was calculated to assess if this variant is too frequent to cause the disease. Based on the score and internal cut-off values, a variant classified as benign is not then subjected to further curation. The score for this variant resulted in a classification of benign for this disease.

Breakthrough Genomics
Classification: Benign. Review status: criteria provided, single submitter. Criteria: ACMG Guidelines, 2015. Collection method: not provided. Allele origin: germline. Inheritance: Unknown mechanism. Affected: yes.

NM_025225.3(PNPLA3):c.1359C>G (p.Ser453Arg)

Gene: PNPLA3 (patatin like domain 3, 1-acylglycerol-3-phosphate O-acyltransferase; plus strand). Cytogenetic location: 22q13.31.
Variant type: single nucleotide variant.
Coding change: c.1359C>G on transcript NM_025225.3 (MANE Select); coding-DNA position 1359, C replaced by G.
Protein change: p.Ser453Arg; replaces serine 453 with arginine.
Molecular consequence: missense variant.
Genome position (GRCh38, 1-based): chr22:43,946,295, C>G. VCF-style: chr22-43946295-C-G. GRCh37 (hg19) VCF-style: chr22-44342175-C-G.
Other names: short protein forms S453R.
Identifiers: ClinVar variation 341946 (VCV000341946.9), dbSNP rs76510336, ClinGen allele CA10278265.
Genomic context (GRCh38, chr22:43,946,295, plus strand): 5'-CAAGGGCTGTCCAGCAGAGACCAAAGCAGAGGCCACCCCGCGGTCCATCCTCAGGTCCAG[C>G]CTGAACTTCTTCTTGGGCAATAAAGTACCTGCTGGTGCTGAGGGGCTCTCCACCTTTCCC-3'
Protein context (NP_079501.2, residues 443-463): EATPRSILRS[Ser453Arg]LNFFLGNKVP